The following is an entry in ClinVar:

NM_001039958.2(MESP2):c.637G>A (p.Ala213Thr)

Gene: MESP2 (mesoderm posterior bHLH transcription factor 2; plus strand). Cytogenetic location: 15q26.1.
Variant type: single nucleotide variant.
Coding change: c.637G>A on transcript NM_001039958.2 (MANE Select); coding-DNA position 637, G replaced by A.
Protein change: p.Ala213Thr; replaces alanine 213 with threonine.
Molecular consequence: missense variant.
Genome position (GRCh38, 1-based): chr15:89,776,994, G>A. VCF-style: chr15-89776994-G-A. GRCh37 (hg19) VCF-style: chr15-90320225-G-A.
Other names: short protein forms A213T.
Identifiers: ClinVar variation 1063360 (VCV001063360.8), dbSNP rs781296717, ClinGen allele CA7730471.

ClinVar aggregate classification (germline): Uncertain significance. Review status: criteria provided, single submitter (1 of 4 stars). 2 submissions from 2 submitters: Uncertain significance (1). 1 of the submissions does not count toward it. Last evaluated 2025-03-03.

Conditions:
Spondylocostal dysostosis 2, autosomal recessive (SCDO2). Also called: MESP2-Related Spondylocostal Dysostosis, Autosomal Recessive; Spondylocostal dysostosis type 2. Identifiers: Orphanet 2311, MedGen C1837549, MONDO:0012097, OMIM 608681.

Allele frequency attached by ClinVar (database versions not stated): gnomAD exomes 0.00001; ExAC 0.00005.
gnomAD v4.1: 8 of 1,567,594 alleles (0.00051%); highest among the groups gnomAD compares: African/African-American, 0.0014%; no homozygotes.

Submissions (2):

Labcorp Genetics (formerly Invitae), Labcorp
Classification: Uncertain significance. Last evaluated: 2025-03-03. Review status: criteria provided, single submitter. Criteria: Invitae Variant Classification Sherloc (09022015). Collection method: clinical testing. Allele origin: germline.
Comment: This sequence change replaces alanine, which is neutral and non-polar, with threonine, which is neutral and polar, at codon 213 of the MESP2 protein (p.Ala213Thr). The frequency data for this variant in the population databases is considered unreliable, as metrics indicate poor data quality at this position in the gnomAD database. This variant has not been reported in the literature in individuals affected with MESP2-related conditions. ClinVar contains an entry for this variant (Variation ID: 1063360). Invitae Evidence Modeling of protein sequence and biophysical properties (such as structural, functional, and spatial information, amino acid conservation, physicochemical variation, residue mobility, and thermodynamic stability) indicates that this missense variant is not expected to disrupt MESP2 protein function with a negative predictive value of 80%. In summary, the available evidence is currently insufficient to determine the role of this variant in disease. Therefore, it has been classified as a Variant of Uncertain Significance.

Natera, Inc.
Classification: Uncertain significance for Spondylocostal dysostosis type 2. Last evaluated: 2020-01-17. Review status: no assertion criteria provided. Collection method: clinical testing. Allele origin: germline. Not counted in ClinVar's aggregate classification.